The following is an entry in ClinVar:

NM_000179.3(MSH6):c.1326del (p.Ile442fs)

Gene: MSH6 (mutS homolog 6; plus strand). Cytogenetic location: 2p16.3.
Variant type: Deletion.
Coding change: c.1326del on transcript NM_000179.3 (MANE Select); coding-DNA position 1326, one base deleted (T; older notation c.1326delT).
Protein change: p.Ile442fs; shifts the reading frame from isoleucine 442.
Molecular consequence: frameshift variant.
Genome position (GRCh38, 1-based): chr2:47,799,309, T deleted; the last of 2 consecutive T bases (chr2:47,799,308-47,799,309); deleting either gives the same sequence. VCF-style (leftmost placement, unchanged base first): chr2-47799307-AT-A. GRCh37 (hg19) VCF-style: chr2-48026446-AT-A.
Other names: c.1326delT (NM_000179.2); c.936del, p.Ile312fs (NM_001281492.2); c.420del, p.Ile140fs (NM_001281493.2, NM_001281494.2); short protein forms I312fs, I442fs, I140fs.
Identifiers: ClinVar variation 578092 (VCV000578092.12), dbSNP rs1558661380, ClinGen allele CA891842828.

ClinVar aggregate classification (germline): Pathogenic. Review status: criteria provided, multiple submitters, no conflicts (2 of 4 stars). 3 submissions from 3 submitters: Pathogenic (3). Last evaluated 2024-09-01.

Conditions:
Hereditary cancer-predisposing syndrome. Also called: Tumor predisposition; Hereditary neoplastic syndrome; Hereditary Cancer Syndrome; Neoplastic Syndromes, Hereditary. Identifiers: Orphanet 140162, MedGen C0027672, MeSH D009386, MONDO:0015356.
Hereditary nonpolyposis colorectal neoplasms. Identifiers: MedGen C0009405, MeSH D003123.
Lynch syndrome 5 (LYNCH5). Also called: Colorectal cancer, hereditary nonpolyposis, type 5; Hereditary non-polyposis colorectal cancer, type 5. Identifiers: Orphanet 144, MedGen C1833477, MONDO:0013710, OMIM 614350. Disease mechanism: loss of function.

Submissions (3):

Labcorp Genetics (formerly Invitae), Labcorp
Classification: Pathogenic for Hereditary nonpolyposis colorectal neoplasms. Last evaluated: 2024-09-01. Review status: criteria provided, single submitter. Criteria: Invitae Variant Classification Sherloc (09022015). Collection method: clinical testing. Allele origin: germline.
Comment: This sequence change creates a premature translational stop signal (p.Ile442Metfs*11) in the MSH6 gene. It is expected to result in an absent or disrupted protein product. Loss-of-function variants in MSH6 are known to be pathogenic (PMID: 18269114, 24362816). This variant is not present in population databases (gnomAD no frequency). This variant has not been reported in the literature in individuals affected with MSH6-related conditions. ClinVar contains an entry for this variant (Variation ID: 578092). For these reasons, this variant has been classified as Pathogenic.

Myriad Genetics, Inc.
Classification: Pathogenic for Lynch syndrome 5. Last evaluated: 2023-08-31. Review status: criteria provided, single submitter. Criteria: Myriad Autosomal Dominant, Autosomal Recessive and X-Linked Classification Criteria (2023). Collection method: clinical testing. Allele origin: unknown.
Comment: This variant is considered pathogenic. This variant creates a frameshift predicted to result in premature protein truncation.

Ambry Genetics
Classification: Pathogenic for Hereditary cancer-predisposing syndrome. Last evaluated: 2023-06-23. Review status: criteria provided, single submitter. Criteria: Ambry Variant Classification Scheme 2023. Collection method: clinical testing. Allele origin: germline.
Comment: The c.1326delT pathogenic mutation, located in coding exon 4 of the MSH6 gene, results from a deletion of one nucleotide at nucleotide position 1326, causing a translational frameshift with a predicted alternate stop codon (p.I442Mfs*11). This variant is considered to be rare based on population cohorts in the Genome Aggregation Database (gnomAD). This alteration is expected to result in loss of function by premature protein truncation or nonsense-mediated mRNA decay. As such, this alteration is interpreted as a disease-causing mutation.

Literature cited by the submitters: PubMed 18269114 (cited by Labcorp Genetics (formerly Invitae), Labcorp); PubMed 24362816 (cited by Labcorp Genetics (formerly Invitae), Labcorp).